The following is an entry in ClinVar:

NM_012079.6(DGAT1):c.981+8C>T

Gene: DGAT1 (diacylglycerol O-acyltransferase 1; minus strand). Cytogenetic location: 8q24.3.
Variant type: single nucleotide variant.
Coding change: c.981+8C>T on transcript NM_012079.6 (MANE Select); 8 bases into the intron after coding-DNA position 981, C replaced by T.
Molecular consequence: intron variant.
Genome position (GRCh38, 1-based): chr8:144,317,536, G>A on the plus strand (C>T on the coding strand, the complement: DGAT1 is on the minus strand). VCF-style: chr8-144317536-G-A. GRCh37 (hg19) VCF-style: chr8-145541199-G-A.
Other names: c.981+8C>T (NM_012079.5).
Identifiers: ClinVar variation 2960611 (VCV002960611.5), dbSNP rs782163051, ClinGen allele CA4936734.

ClinVar aggregate classification (germline): Likely benign. Review status: criteria provided, single submitter (1 of 4 stars). 2 submissions from 2 submitters: Likely benign (1). 1 of the submissions does not count toward it. Last evaluated 2025-10-18.

Conditions:
DGAT1-related disorder. Also called: DGAT1-related condition.

Allele frequency attached by ClinVar (database versions not stated): ExAC 0.00001; gnomAD 0.00002; TOPMed 0.00005.
gnomAD v4.1: 24 of 1,613,654 alleles (0.0015%); highest among the groups gnomAD compares: African/African-American, 0.004%; no homozygotes.

Submissions (2):

Labcorp Genetics (formerly Invitae), Labcorp
Classification: Likely benign. Last evaluated: 2025-10-18. Review status: criteria provided, single submitter. Criteria: Invitae Variant Classification Sherloc (09022015). Collection method: clinical testing. Allele origin: germline.

PreventionGenetics, part of Exact Sciences
Classification: Likely benign for DGAT1-related condition. Last evaluated: 2021-05-24. Review status: no assertion criteria provided. Collection method: clinical testing. Allele origin: germline. Not counted in ClinVar's aggregate classification.
Comment: This variant is classified as likely benign based on ACMG/AMP sequence variant interpretation guidelines (Richards et al. 2015 PMID: 25741868, with internal and published modifications).